The following is an entry in ClinVar:

ClinVar aggregate classification (germline): Conflicting classifications of pathogenicity. Review status: criteria provided, conflicting classifications (1 of 4 stars). 2 submissions from 2 submitters: Uncertain significance (1); Likely benign (1). Last evaluated 2023-07-19.

Allele frequency attached by ClinVar (database versions not stated): TOPMed 0.00001.

Submissions (2):

Labcorp Genetics (formerly Invitae), Labcorp
Classification: Likely benign. Last evaluated: 2023-07-19. Review status: criteria provided, single submitter. Criteria: Invitae Variant Classification Sherloc (09022015). Collection method: clinical testing. Allele origin: germline.

GeneDx
Classification: Uncertain significance. Last evaluated: 2021-01-04. Review status: criteria provided, single submitter. Criteria: GeneDx Variant Classification Process June 2021. Collection method: clinical testing. Allele origin: germline. Affected: yes.
Comment: In silico analysis supports that this missense variant has a deleterious effect on protein structure/function; Has not been previously published as pathogenic or benign to our knowledge

NM_006766.5(KAT6A):c.571G>T (p.Val191Leu)

Gene: KAT6A (lysine acetyltransferase 6A; minus strand). Cytogenetic location: 8p11.21.
Variant type: single nucleotide variant.
Coding change: c.571G>T on transcript NM_006766.5 (MANE Select); coding-DNA position 571, G replaced by T.
Protein change: p.Val191Leu; replaces valine 191 with leucine.
Molecular consequence: missense variant.
Genome position (GRCh38, 1-based): chr8:42,048,407, C>A on the plus strand (G>T on the coding strand, the complement: KAT6A is on the minus strand). VCF-style: chr8-42048407-C-A. GRCh37 (hg19) VCF-style: chr8-41905925-C-A.
Other names: c.571G>T, p.Val191Leu (NM_001305878.2); short protein forms V191L.
Identifiers: ClinVar variation 389090 (VCV000389090.7), dbSNP rs1057523324, ClinGen allele CA16605484.